The following is an entry in ClinVar:

ClinVar aggregate classification (germline): Likely benign. Review status: criteria provided, single submitter (1 of 4 stars). 2 submissions from 2 submitters: Likely benign (1). 1 of the submissions does not count toward it. Last evaluated 2022-11-01.

Conditions:
FSIP2-related disorder. Also called: FSIP2-related condition.

Allele frequency attached by ClinVar (database versions not stated): ESP Exome Variant Server 0.00017; gnomAD exomes 0.00020 and 0.00029; TOPMed 0.00020; gnomAD 0.00021 and 0.00024; ExAC 0.00025.
gnomAD v4.1: 460 of 1,610,846 alleles (0.029%); highest among the groups gnomAD compares: Middle Eastern, 0.066%; no homozygotes.

Submissions (2):

CeGaT Center for Human Genetics Tuebingen
Classification: Likely benign. Last evaluated: 2022-11-01. Review status: criteria provided, single submitter. Criteria: CeGaT Center For Human Genetics Tuebingen Variant Classification Criteria Version 2. Collection method: clinical testing. Allele origin: germline. Affected: yes. Observed: 2 variant alleles.
Comment: FSIP2: BP4, BP7

PreventionGenetics, part of Exact Sciences
Classification: Likely benign for FSIP2-related condition. Last evaluated: 2019-04-15. Review status: no assertion criteria provided. Collection method: clinical testing. Allele origin: germline. Not counted in ClinVar's aggregate classification.
Comment: This variant is classified as likely benign based on ACMG/AMP sequence variant interpretation guidelines (Richards et al. 2015 PMID: 25741868, with internal and published modifications).

NM_173651.4(FSIP2):c.19032T>C (p.Asp6344=)

Gene: FSIP2 (fibrous sheath interacting protein 2; plus strand). Cytogenetic location: 2q32.1.
Variant type: single nucleotide variant.
Coding change: c.19032T>C on transcript NM_173651.4 (MANE Select); coding-DNA position 19032, T replaced by C.
Protein change: p.Asp6344=; no amino-acid change (aspartic acid 6344 retained).
Molecular consequence: synonymous variant.
Genome position (GRCh38, 1-based): chr2:185,808,338, T>C. VCF-style: chr2-185808338-T-C. GRCh37 (hg19) VCF-style: chr2-186673065-T-C.
Other names: c.19032T>C (NM_173651.3).
Identifiers: ClinVar variation 1176753 (VCV001176753.36), dbSNP rs200393690, ClinGen allele CA2017648.
Genomic context (GRCh38, chr2:185,808,338, plus strand): 5'-AATTATTGATGAACTTAAGTCTAAGGAAAAGTCTTCATCCAGAAAAGGTTTGACATTAGA[T>C]GCCAAACTTTTAGAAGAGGTGTTGGCCTTGTTCTTGGCTAAACTAATAAGGTTGCCAAGT-3'
Protein context (NP_775922.3, residues 6334-6354): KSSSRKGLTL[Asp6344=]AKLLEEVLAL